The following is an entry in ClinVar:

NM_001317778.2(SFTPC):c.*123G>A

Gene: SFTPC (surfactant protein C; plus strand). Cytogenetic location: 8p21.3.
Variant type: single nucleotide variant.
Coding change: c.*123G>A on transcript NM_001317778.2 (MANE Select); 123 bases downstream of the stop codon, G replaced by A.
Molecular consequence: 3 prime UTR variant.
Genome position (GRCh38, 1-based): chr8:22,164,370, G>A. VCF-style: chr8-22164370-G-A. GRCh37 (hg19) VCF-style: chr8-22021883-G-A.
Other names: c.*329G>A (NM_001172357.2); c.*115G>A (NM_001172410.2, NM_001317780.2); c.*123G>A (NM_001317779.2, NM_003018.4).
Identifiers: ClinVar variation 362568 (VCV000362568.8), dbSNP rs7592, ClinGen allele CA4664109.

ClinVar aggregate classification (germline): Benign/Likely benign. Review status: criteria provided, multiple submitters, no conflicts (2 of 4 stars). 3 submissions from 3 submitters: Benign (2); Likely benign (1). Last evaluated 2023-03-24.

Conditions:
Surfactant metabolism dysfunction, pulmonary, 2 (SMDP2). Also called: DESQUAMATIVE INTERSTITIAL PNEUMONITIS DUE TO SURFACTANT PROTEIN C DEFICIENCY; INTERSTITIAL LUNG DISEASE DUE TO SURFACTANT PROTEIN C DEFICIENCY; PULMONARY ALVEOLAR PROTEINOSIS, CONGENITAL, 2. Identifiers: Orphanet 440392, MedGen C1970470, MONDO:0024465, OMIM 610913.

Allele frequency attached by ClinVar (database versions not stated): gnomAD exomes 0.32764 and 0.31678; 1000 Genomes Project 30x 0.33073; gnomAD 0.35376 and 0.35835; 1000 Genomes Project 0.33427; ExAC 0.31165; TOPMed 0.35966.

Submissions (3):

Blueprint Genetics
Classification: Likely benign. Last evaluated: 2023-03-24. Review status: criteria provided, single submitter. Criteria: ACMG Guidelines, 2015. Collection method: clinical testing. Allele origin: germline.

Illumina Laboratory Services, Illumina
Classification: Benign for Surfactant metabolism dysfunction, pulmonary, 2. Last evaluated: 2018-01-13. Review status: criteria provided, single submitter. Criteria: ICSL Variant Classification Criteria 13 December 2019. Collection method: clinical testing. Allele origin: germline.
Comment: This variant was observed in the ICSL laboratory as part of a predisposition screen in an ostensibly healthy population. It had not been previously curated by ICSL or reported in the Human Gene Mutation Database (HGMD: prior to June 1st, 2018), and was therefore a candidate for classification through an automated scoring system. Utilizing variant allele frequency, disease prevalence and penetrance estimates, and inheritance mode, an automated score was calculated to assess if this variant is too frequent to cause the disease. Based on the score and internal cut-off values, a variant classified as benign is not then subjected to further curation. The score for this variant resulted in a classification of benign for this disease.

Breakthrough Genomics
Classification: Benign. Review status: criteria provided, single submitter. Criteria: ACMG Guidelines, 2015. Collection method: not provided. Allele origin: germline. Inheritance: Autosomal dominant inheritance. Affected: yes.